The following is an entry in ClinVar:

ClinVar aggregate classification (germline): Uncertain significance. Review status: criteria provided, multiple submitters, no conflicts (2 of 4 stars). 3 submissions from 3 submitters: Uncertain significance (2). 1 of the submissions does not count toward it. Last evaluated 2024-01-08.

Conditions:
Hereditary cancer-predisposing syndrome. Also called: Hereditary neoplastic syndrome; Neoplastic Syndromes, Hereditary; Tumor predisposition; Hereditary Cancer Syndrome. Identifiers: Orphanet 140162, MedGen C0027672, MeSH D009386, MONDO:0015356.
Oligodontia-cancer predisposition syndrome. Also called: TOOTH AGENESIS-COLORECTAL CANCER SYNDROME. Identifiers: Orphanet 300576, MedGen C1837750, MONDO:0012075, OMIM 608615. Disease mechanism: loss of function.

Submissions (3):

Labcorp Genetics (formerly Invitae), Labcorp
Classification: Uncertain significance for Oligodontia-cancer predisposition syndrome. Last evaluated: 2024-01-08. Review status: criteria provided, single submitter. Criteria: Invitae Variant Classification Sherloc (09022015). Collection method: clinical testing. Allele origin: germline.
Comment: This sequence change replaces glutamic acid, which is acidic and polar, with glutamine, which is neutral and polar, at codon 811 of the AXIN2 protein (p.Glu811Gln). This variant is not present in population databases (gnomAD no frequency). This variant has not been reported in the literature in individuals affected with AXIN2-related conditions. ClinVar contains an entry for this variant (Variation ID: 533154). Advanced modeling of protein sequence and biophysical properties (such as structural, functional, and spatial information, amino acid conservation, physicochemical variation, residue mobility, and thermodynamic stability) performed at Invitae indicates that this missense variant is expected to disrupt AXIN2 protein function with a positive predictive value of 80%. In summary, the available evidence is currently insufficient to determine the role of this variant in disease. Therefore, it has been classified as a Variant of Uncertain Significance.

Ambry Genetics
Classification: Uncertain significance for Hereditary cancer-predisposing syndrome. Last evaluated: 2023-09-27. Review status: criteria provided, single submitter. Criteria: Ambry Variant Classification Scheme 2023. Collection method: clinical testing. Allele origin: germline.
Comment: The p.E811Q variant (also known as c.2431G>C), located in coding exon 10 of the AXIN2 gene, results from a G to C substitution at nucleotide position 2431. The glutamic acid at codon 811 is replaced by glutamine, an amino acid with highly similar properties. This amino acid position is conserved. In addition, the in silico prediction for this alteration is inconclusive. Since supporting evidence is limited at this time, the clinical significance of this alteration remains unclear.

Zotz-Klimas Genetics Lab, MVZ Zotz Klimas
Classification: Uncertain significance for Oligodontia-cancer predisposition syndrome. Last evaluated: 2023-11-24. Review status: no assertion criteria provided. Collection method: clinical testing. Allele origin: germline. Affected: yes. Not counted in ClinVar's aggregate classification.

NM_004655.4(AXIN2):c.2431G>C (p.Glu811Gln)

Gene: AXIN2 (axin 2; minus strand). Cytogenetic location: 17q24.1.
Variant type: single nucleotide variant.
Coding change: c.2431G>C on transcript NM_004655.4 (MANE Select); coding-DNA position 2431, G replaced by C.
Protein change: p.Glu811Gln; replaces glutamic acid 811 with glutamine.
Molecular consequence: missense variant.
Genome position (GRCh38, 1-based): chr17:65,530,077, C>G on the plus strand (G>C on the coding strand, the complement: AXIN2 is on the minus strand). VCF-style: chr17-65530077-C-G. GRCh37 (hg19) VCF-style: chr17-63526195-C-G.
Other names: c.2236G>C, p.Glu746Gln (NM_001363813.1); c.2431G>C (LRG_296t1); short protein forms E811Q, E746Q.
Identifiers: ClinVar variation 533154 (VCV000533154.10), dbSNP rs1555575491, ClinGen allele CA400674930.